The following is an entry in ClinVar:

ClinVar aggregate classification (germline): Uncertain significance (1 of 4 stars; one submission).

gnomAD v4.1: 3 of 1,614,192 alleles (0.00019%); highest among the groups gnomAD compares: Non-Finnish European, 0.00025%; no homozygotes.

Submission:

Labcorp Genetics (formerly Invitae), Labcorp
Classification: Uncertain significance. Last evaluated: 2022-07-05. Review status: criteria provided, single submitter. Criteria: Invitae Variant Classification Sherloc (09022015). Collection method: clinical testing. Allele origin: germline.
Comment: This variant is not present in population databases (gnomAD no frequency). In summary, the available evidence is currently insufficient to determine the role of this variant in disease. Therefore, it has been classified as a Variant of Uncertain Significance. Algorithms developed to predict the effect of missense changes on protein structure and function (SIFT, PolyPhen-2, Align-GVGD) all suggest that this variant is likely to be disruptive. ClinVar contains an entry for this variant (Variation ID: 1464419). This variant has not been reported in the literature in individuals affected with TSPEAR-related conditions. This sequence change replaces tryptophan, which is neutral and slightly polar, with arginine, which is basic and polar, at codon 356 of the TSPEAR protein (p.Trp356Arg).

NM_144991.3(TSPEAR):c.1066T>C (p.Trp356Arg)

Gene: TSPEAR (thrombospondin type laminin G domain and EAR repeats; minus strand). Cytogenetic location: 21q22.3.
Variant type: single nucleotide variant.
Coding change: c.1066T>C on transcript NM_144991.3 (MANE Select); coding-DNA position 1066, T replaced by C.
Protein change: p.Trp356Arg; replaces tryptophan 356 with arginine.
Molecular consequence: missense variant.
Genome position (GRCh38, 1-based): chr21:44,527,375, A>G on the plus strand (T>C on the coding strand, the complement: TSPEAR is on the minus strand). VCF-style: chr21-44527375-A-G. GRCh37 (hg19) VCF-style: chr21-45947258-A-G.
Other names: c.862T>C, p.Trp288Arg (NM_001272037.2); short protein forms W288R, W356R.
Identifiers: ClinVar variation 1464419 (VCV001464419.8), dbSNP rs1569165610, ClinGen allele CA410440893.